The following is an entry in ClinVar:

NM_001005373.4(LRSAM1):c.953A>G (p.Asn318Ser)

Gene: LRSAM1 (leucine rich repeat and sterile alpha motif containing 1; plus strand). Cytogenetic location: 9q33.3.
Variant type: single nucleotide variant.
Coding change: c.953A>G on transcript NM_001005373.4 (MANE Select); coding-DNA position 953, A replaced by G.
Protein change: p.Asn318Ser; replaces asparagine 318 with serine.
Molecular consequence: missense variant. On other transcripts: non-coding transcript variant (2).
Genome position (GRCh38, 1-based): chr9:127,479,888, A>G. VCF-style: chr9-127479888-A-G. GRCh37 (hg19) VCF-style: chr9-130242167-A-G.
Other names: c.953A>G, p.Asn318Ser (NM_001005374.4, NM_001190723.3, NM_001384142.1 and 2 more transcripts); c.164A>G, p.Asn55Ser (NM_001384144.1); short protein forms N55S, N318S.
Identifiers: ClinVar variation 2976923 (VCV002976923.3), dbSNP rs1189386326, ClinGen allele CA374931465.
Genomic context (GRCh38, chr9:127,479,888, plus strand): 5'-TCCGGCTGCAGGAGCAGTCCCGGCTGGAGCAGGGCCTGAGTGAGCACCAGCGCCACCTCA[A>G]CGCAGAGCGGCAGCGGCTGCAGGAGCAGCTGAAGCAGACGGAACAGAACATTTCCAGCCG-3'
Protein context (NP_001005373.1, residues 308-328): QGLSEHQRHL[Asn318Ser]AERQRLQEQL

ClinVar aggregate classification (germline): Uncertain significance (1 of 4 stars; one submission).

Conditions:
Charcot-Marie-Tooth disease axonal type 2P. Also called: CHARCOT-MARIE-TOOTH NEUROPATHY, TYPE 2P; Charcot-Marie-Tooth Neuropathy Type 2G; CHARCOT-MARIE-TOOTH DISEASE, AXONAL, TYPE 2G; CMT 2G. Identifiers: Orphanet 300319, Orphanet 99941, MedGen C3280797, MONDO:0013753, OMIM 614436.

Allele frequency attached by ClinVar (database versions not stated): gnomAD exomes below 0.00001.
gnomAD v4.1: 2 of 1,612,594 alleles (0.00012%); highest among the groups gnomAD compares: African/African-American, 0.0013%; no homozygotes.

Submission:

Labcorp Genetics (formerly Invitae), Labcorp
Classification: Uncertain significance for Charcot-Marie-Tooth disease axonal type 2P. Last evaluated: 2023-08-16. Review status: criteria provided, single submitter. Criteria: Invitae Variant Classification Sherloc (09022015). Collection method: clinical testing. Allele origin: germline.
Comment: This sequence change replaces asparagine, which is neutral and polar, with serine, which is neutral and polar, at codon 318 of the LRSAM1 protein (p.Asn318Ser). This variant is present in population databases (no rsID available, gnomAD 0.007%). This variant has not been reported in the literature in individuals affected with LRSAM1-related conditions. Advanced modeling of protein sequence and biophysical properties (such as structural, functional, and spatial information, amino acid conservation, physicochemical variation, residue mobility, and thermodynamic stability) performed at Invitae indicates that this missense variant is not expected to disrupt LRSAM1 protein function. In summary, the available evidence is currently insufficient to determine the role of this variant in disease. Therefore, it has been classified as a Variant of Uncertain Significance.